The following is an entry in ClinVar:

NM_003923.3(FOXH1):c.507C>G (p.Ile169Met)

Gene: FOXH1 (forkhead box H1; minus strand). Cytogenetic location: 8q24.3.
Variant type: single nucleotide variant.
Coding change: c.507C>G on transcript NM_003923.3 (MANE Select); coding-DNA position 507, C replaced by G.
Protein change: p.Ile169Met; replaces isoleucine 169 with methionine.
Molecular consequence: missense variant.
Genome position (GRCh38, 1-based): chr8:144,474,829, G>C on the plus strand (C>G on the coding strand, the complement: FOXH1 is on the minus strand). VCF-style: chr8-144474829-G-C. GRCh37 (hg19) VCF-style: chr8-145700212-G-C.
Other names: short protein forms I169M.
Identifiers: ClinVar variation 1019603 (VCV001019603.7), dbSNP rs780001651, ClinGen allele CA4945514.
Genomic context (GRCh38, chr8:144,474,829, plus strand): 5'-GCTCTGTGGAGCTAGCCCCGGCCAGGGTGCCCCCTCCCCGGACCCTCCTAGCAGGGACTT[G>C]ATGCTGAAGCCCTCACTGGGTGGTGGCGGGGGACTGGGCGGCCGGTATGGCCGGCCGTGC-3'
Protein context (NP_003914.1, residues 159-179): PPPPPSEGFS[Ile169Met]KSLLGGSGEG

ClinVar aggregate classification (germline): Uncertain significance. Review status: criteria provided, multiple submitters, no conflicts (2 of 4 stars). 3 submissions from 3 submitters: Uncertain significance (3). Last evaluated 2025-04-29.

Conditions:
Holoprosencephaly sequence (HPE). Also called: Holoprosencephaly. Identifiers: Orphanet 2162, MedGen C0079541, MONDO:0016296, HP:0001360.
Inborn genetic diseases. Identifiers: MedGen C0950123, MeSH D030342.

Allele frequency attached by ClinVar (database versions not stated): gnomAD exomes below 0.00001; ExAC 0.00002.

Submissions (3):

Ambry Genetics
Classification: Uncertain significance for Inborn genetic diseases. Last evaluated: 2025-04-29. Review status: criteria provided, single submitter. Criteria: Ambry Variant Classification Scheme 2023. Collection method: clinical testing. Allele origin: germline.

GeneDx
Classification: Uncertain significance. Last evaluated: 2022-12-20. Review status: criteria provided, single submitter. Criteria: GeneDx Variant Classification Process June 2021. Collection method: clinical testing. Allele origin: germline. Affected: yes.
Comment: Not observed at significant frequency in large population cohorts (gnomAD); In silico analysis supports that this missense variant does not alter protein structure/function; Has not been previously published as pathogenic or benign to our knowledge

Labcorp Genetics (formerly Invitae), Labcorp
Classification: Uncertain significance for Holoprosencephaly sequence. Last evaluated: 2020-03-15. Review status: criteria provided, single submitter. Criteria: Invitae Variant Classification Sherloc (09022015). Collection method: clinical testing. Allele origin: germline.
Comment: This variant has not been reported in the literature in individuals with FOXH1-related conditions. Algorithms developed to predict the effect of missense changes on protein structure and function are either unavailable or do not agree on the potential impact of this missense change (SIFT: "Tolerated"; PolyPhen-2: "Possibly Damaging"; Align-GVGD: "Class C0"). In summary, the available evidence is currently insufficient to determine the role of this variant in disease. Therefore, it has been classified as a Variant of Uncertain Significance. This variant is present in population databases (rs780001651, ExAC 0.01%). This sequence change replaces isoleucine with methionine at codon 169 of the FOXH1 protein (p.Ile169Met). The isoleucine residue is moderately conserved and there is a small physicochemical difference between isoleucine and methionine.